The following is an entry in ClinVar:

NM_000388.4(CASR):c.2087T>A (p.Leu696Gln)

Gene: CASR (calcium sensing receptor; plus strand). Cytogenetic location: 3q21.1.
Variant type: single nucleotide variant.
Coding change: c.2087T>A on transcript NM_000388.4 (MANE Select); coding-DNA position 2087, T replaced by A.
Protein change: p.Leu696Gln; replaces leucine 696 with glutamine.
Molecular consequence: missense variant.
Genome position (GRCh38, 1-based): chr3:122,284,041, T>A. VCF-style: chr3-122284041-T-A. GRCh37 (hg19) VCF-style: chr3-122002888-T-A.
Other names: c.2117T>A, p.Leu706Gln (NM_001178065.2); short protein forms L696Q, L706Q.
Identifiers: ClinVar variation 1372007 (VCV001372007.8), dbSNP rs2107649925, ClinGen allele CA354158473.

ClinVar aggregate classification (germline): Uncertain significance (1 of 4 stars; one submission).

Conditions:
Familial hypocalciuric hypercalcemia (FHH). Also called: Familial benign hypercalcemia. Identifiers: Orphanet 405, MedGen C1809471, MONDO:0018458.
Autosomal dominant hypocalcemia 1 (HYPOC1). Also called: HYPOCALCEMIA, FAMILIAL. Identifiers: MedGen C3715128, MONDO:0011013, OMIM 601198.

Submission:

Labcorp Genetics (formerly Invitae), Labcorp
Classification: Uncertain significance for Familial hypocalciuric hypercalcemia; Autosomal dominant hypocalcemia 1. Last evaluated: 2023-12-06. Review status: criteria provided, single submitter. Criteria: Invitae Variant Classification Sherloc (09022015). Collection method: clinical testing. Allele origin: germline.
Comment: This sequence change replaces leucine, which is neutral and non-polar, with glutamine, which is neutral and polar, at codon 696 of the CASR protein (p.Leu696Gln). This variant is not present in population databases (gnomAD no frequency). This variant has not been reported in the literature in individuals affected with CASR-related conditions. ClinVar contains an entry for this variant (Variation ID: 1372007). An algorithm developed to predict the effect of missense changes on protein structure and function (PolyPhen-2) suggests that this variant is likely to be disruptive. In summary, the available evidence is currently insufficient to determine the role of this variant in disease. Therefore, it has been classified as a Variant of Uncertain Significance.